The following is an entry in ClinVar:

NM_025193.4(HSD3B7):c.431+7_431+8insA

Gene: HSD3B7 (hydroxy-delta-5-steroid dehydrogenase, 3 beta- and steroid delta-isomerase 7; plus strand). Cytogenetic location: 16p11.2.
Variant type: Insertion.
Coding change: c.431+7_431+8insA on transcript NM_025193.4 (MANE Select); bases 7 to 8 of the intron after coding-DNA position 431, A inserted.
Molecular consequence: intron variant.
Genome position: GRCh38 VCF-style: chr16-30986538-G-GA. GRCh37 (hg19) VCF-style: chr16-30997859-G-GA.
Other names: c.431+7_431+8insA (NM_025193.3, NM_001142777.2, NM_001142778.2).
Identifiers: ClinVar variation 497968 (VCV000497968.9), dbSNP rs1343784849, ClinGen allele CA622171156.
Genomic context (GRCh38, chr16:30,986,538, plus strand): 5'-CACCAGCAGCATGGAAGTTGTGGGGCCTAACACCAAAGGTCACCCCTTCTACAGGTGAGT[G>GA]GCAGGCCCTCTTGTCCTCTAAGAGCCCATTTCCCTCAGCATTGAGTCTTCCTTCTCCTCC-3'

ClinVar aggregate classification (germline): Conflicting classifications of pathogenicity. Review status: criteria provided, conflicting classifications (1 of 4 stars). 3 submissions from 3 submitters: Uncertain significance (1); Likely benign (2). Last evaluated 2026-06-24.

Conditions:
HSD3B7-related disorder. Also called: HSD3B7-related condition.

Allele frequency attached by ClinVar (database versions not stated): gnomAD exomes below 0.00001; gnomAD 0.00002; TOPMed 0.00002.

Submissions (3):

PreventionGenetics, part of Exact Sciences
Classification: Likely benign for HSD3B7-related condition. Last evaluated: 2026-06-24. Review status: criteria provided, single submitter. Criteria: ACMG Guidelines, 2015. Collection method: clinical testing. Allele origin: germline.
Comment: This variant is classified as likely benign based on ACMG/AMP sequence variant interpretation guidelines (Richards et al. 2015 PMID: 25741868, with internal and published modifications).

Labcorp Genetics (formerly Invitae), Labcorp
Classification: Likely benign. Last evaluated: 2023-08-28. Review status: criteria provided, single submitter. Criteria: Invitae Variant Classification Sherloc (09022015). Collection method: clinical testing. Allele origin: germline.

Eurofins Ntd Llc (ga)
Classification: Uncertain significance. Last evaluated: 2016-10-10. Review status: criteria provided, single submitter. Criteria: EGL Classification Definitions 2015. Collection method: clinical testing. Allele origin: germline. Observed: 2 variant alleles, 1 heterozygote.